The following is an entry in ClinVar:

ClinVar aggregate classification (germline): Conflicting classifications of pathogenicity. Review status: criteria provided, conflicting classifications (1 of 4 stars). 5 submissions from 5 submitters: Uncertain significance (4); Likely benign (1). Last evaluated 2024-10-21.

Conditions:
Charcot-Marie-Tooth disease type 4. Also called: Charcot-Marie-Tooth, Type 4; Charcot-Marie-Tooth disease, type IV. Identifiers: Orphanet 64749, MedGen C4082197, MONDO:0018995.
Charcot-Marie-Tooth disease. Also called: Charcot-Marie-Tooth Neuropathy; Charcot-Marie-Tooth Hereditary Neuropathy. Identifiers: Orphanet 166, MedGen C0007959, MONDO:0015626.

Allele frequency attached by ClinVar (database versions not stated): gnomAD 0.00001; gnomAD exomes 0.00005 and 0.00006; ExAC 0.00006; TOPMed 0.00006; ESP Exome Variant Server 0.00008.

Submissions (5):

Labcorp Genetics (formerly Invitae), Labcorp
Classification: Likely benign for Charcot-Marie-Tooth disease type 4. Last evaluated: 2024-10-21. Review status: criteria provided, single submitter. Criteria: Invitae Variant Classification Sherloc (09022015). Collection method: clinical testing. Allele origin: germline.

Athena Diagnostics
Classification: Uncertain significance. Last evaluated: 2019-12-17. Review status: criteria provided, single submitter. Criteria: Athena Diagnostics Criteria. Collection method: clinical testing. Allele origin: unknown.

GeneDx
Classification: Uncertain significance. Last evaluated: 2019-07-24. Review status: criteria provided, single submitter. Criteria: GeneDx Variant Classification Process June 2021. Collection method: clinical testing. Allele origin: germline. Affected: yes.
Comment: In silico analysis, which includes protein predictors and evolutionary conservation, supports a deleterious effect; Has not been previously published as pathogenic or benign to our knowledge; This variant is associated with the following publications: (PMID: 32376792)

Eurofins Ntd Llc (ga)
Classification: Uncertain significance. Last evaluated: 2015-10-21. Review status: criteria provided, single submitter. Criteria: EGL Classification Definitions 2015. Collection method: clinical testing. Allele origin: germline. Observed: 2 variant alleles, 2 heterozygotes.

Molecular Genetics Laboratory, London Health Sciences Centre
Classification: Uncertain significance for Charcot-Marie-Tooth disease. Review status: criteria provided, single submitter. Criteria: ACMG Guidelines, 2015. Collection method: clinical testing. Allele origin: germline. Affected: yes.

NM_024577.4(SH3TC2):c.2581C>T (p.Arg861Trp)

Gene: SH3TC2 (SH3 domain and tetratricopeptide repeats 2; minus strand). Cytogenetic location: 5q32.
Variant type: single nucleotide variant.
Coding change: c.2581C>T on transcript NM_024577.4 (MANE Select); coding-DNA position 2581, C replaced by T.
Protein change: p.Arg861Trp; replaces arginine 861 with tryptophan.
Molecular consequence: missense variant.
Genome position (GRCh38, 1-based): chr5:149,027,151, G>A on the plus strand (C>T on the coding strand, the complement: SH3TC2 is on the minus strand). VCF-style: chr5-149027151-G-A. GRCh37 (hg19) VCF-style: chr5-148406714-G-A.
Other names: short protein forms R861W.
Identifiers: ClinVar variation 284014 (VCV000284014.16), dbSNP rs147490172, ClinGen allele CA3498966.